The following is an entry in ClinVar:

ClinVar aggregate classification (germline): Uncertain significance. Review status: criteria provided, multiple submitters, no conflicts (2 of 4 stars). 3 submissions from 3 submitters: Uncertain significance (3). Last evaluated 2026-07-06.

Conditions:
Rhabdoid tumor predisposition syndrome 2 (RTPS2). Identifiers: Orphanet 231108, Orphanet 69077, MedGen C2750074, MONDO:0013224, OMIM 613325.
Hereditary cancer-predisposing syndrome. Also called: Neoplastic Syndromes, Hereditary; Hereditary Cancer Syndrome; Hereditary neoplastic syndrome; Tumor predisposition. Identifiers: Orphanet 140162, MedGen C0027672, MeSH D009386, MONDO:0015356.

Submissions (3):

Ambry Genetics
Classification: Uncertain significance for Hereditary cancer-predisposing syndrome. Last evaluated: 2026-07-06. Review status: criteria provided, single submitter. Criteria: Ambry Variant Classification Scheme 2023. Collection method: clinical testing. Allele origin: germline.
Comment: The p.M113T variant (also known as c.338T>C), located in coding exon 2 of the SMARCA4 gene, results from a T to C substitution at nucleotide position 338. The methionine at codon 113 is replaced by threonine, an amino acid with similar properties. This amino acid position is conserved. In addition, the in silico prediction for this alteration is inconclusive. Based on the available evidence, the clinical significance of this variant remains unclear.

Baylor Genetics
Classification: Uncertain significance for Rhabdoid tumor predisposition syndrome 2. Last evaluated: 2023-08-21. Review status: criteria provided, single submitter. Criteria: ACMG Guidelines, 2015. Collection method: clinical testing. Allele origin: unknown.

Labcorp Genetics (formerly Invitae), Labcorp
Classification: Uncertain significance for Rhabdoid tumor predisposition syndrome 2. Last evaluated: 2023-06-07. Review status: criteria provided, single submitter. Criteria: Invitae Variant Classification Sherloc (09022015). Collection method: clinical testing. Allele origin: germline.
Comment: In summary, the available evidence is currently insufficient to determine the role of this variant in disease. Therefore, it has been classified as a Variant of Uncertain Significance. Advanced modeling of protein sequence and biophysical properties (such as structural, functional, and spatial information, amino acid conservation, physicochemical variation, residue mobility, and thermodynamic stability) performed at Invitae indicates that this missense variant is not expected to disrupt SMARCA4 protein function. ClinVar contains an entry for this variant (Variation ID: 580249). This variant has not been reported in the literature in individuals affected with SMARCA4-related conditions. This variant is not present in population databases (gnomAD no frequency). This sequence change replaces methionine, which is neutral and non-polar, with threonine, which is neutral and polar, at codon 113 of the SMARCA4 protein (p.Met113Thr).

NM_003072.5(SMARCA4):c.338T>C (p.Met113Thr)

Gene: SMARCA4 (SWI/SNF related BAF chromatin remodeling complex subunit ATPase 4; plus strand). Cytogenetic location: 19p13.2.
Variant type: single nucleotide variant.
Coding change: c.338T>C on transcript NM_003072.5 (MANE Select); coding-DNA position 338, T replaced by C.
Protein change: p.Met113Thr; replaces methionine 113 with threonine.
Molecular consequence: missense variant. On other transcripts: non-coding transcript variant (1).
Genome position (GRCh38, 1-based): chr19:10,985,388, T>C. VCF-style: chr19-10985388-T-C. GRCh37 (hg19) VCF-style: chr19-11096064-T-C.
Other names: c.338T>C, p.Met113Thr (NM_001128844.3, NM_001128845.2, NM_001128846.2 and 5 more transcripts); short protein forms M113T.
Identifiers: ClinVar variation 580249 (VCV000580249.12), dbSNP rs1175163671, ClinGen allele CA404055340.